The following is an entry in ClinVar:

ClinVar aggregate classification (germline): Conflicting classifications of pathogenicity. Review status: criteria provided, conflicting classifications (1 of 4 stars). 4 submissions from 4 submitters: Uncertain significance (2); Likely benign (2). Last evaluated 2025-12-19.

Conditions:
Congenital myopathy 18. Also called: Myopathy, congenital, due to dihydropyridine receptor defect; DIHYDROPYRIDINE RECEPTOR CONGENITAL MYOPATHY; DHPR CONGENITAL MYOPATHY. Identifiers: MedGen C5830283, MONDO:0859514, OMIM 620246.
Hypokalemic periodic paralysis, type 1. Also called: Hypokalemic Periodic Paralysis Type 1 (AD); HypoPP. Identifiers: Orphanet 681, MedGen C3714580, MONDO:0042979, OMIM 170400.
Malignant hyperthermia, susceptibility to, 5 (MHS5). Also called: CACNA1S-Related Malignant Hyperthermia Susceptibility. Identifiers: Orphanet 423, MedGen C1866077, MONDO:0011163, OMIM 601887.
Thyrotoxic periodic paralysis, susceptibility to, 1 (TTPP1). Identifiers: Orphanet 79102, MedGen C2749982, MONDO:0008570, OMIM 188580.

Allele frequency attached by ClinVar (database versions not stated): gnomAD 0.00011; TOPMed 0.00011; gnomAD exomes 0.00013; ExAC 0.00016.
gnomAD v4.1: 153 of 1,614,076 alleles (0.0095%); highest among the groups gnomAD compares: East Asian, 0.042%; 1 homozygote.

Submissions (4):

Labcorp Genetics (formerly Invitae), Labcorp
Classification: Likely benign for Hypokalemic periodic paralysis, type 1; Malignant hyperthermia, susceptibility to, 5. Last evaluated: 2025-12-19. Review status: criteria provided, single submitter. Criteria: Invitae Variant Classification Sherloc (09022015). Collection method: clinical testing. Allele origin: germline.

GeneDx
Classification: Uncertain significance. Last evaluated: 2025-01-02. Review status: criteria provided, single submitter. Criteria: GeneDx Variant Classification Process June 2021. Collection method: clinical testing. Allele origin: germline. Affected: yes.
Comment: Reported previously as a maternally inherited variant in a patient with periodic muscle weakness (PMID: 27066551); In silico analysis indicates that this missense variant does not alter protein structure/function; This variant is associated with the following publications: (PMID: 27066551)

Fulgent Genetics
Classification: Uncertain significance for Hypokalemic periodic paralysis, type 1; Thyrotoxic periodic paralysis, susceptibility to, 1; Malignant hyperthermia, susceptibility to, 5; Congenital myopathy 18. Last evaluated: 2024-03-07. Review status: criteria provided, single submitter. Criteria: ACMG Guidelines, 2015. Collection method: clinical testing. Allele origin: germline.

Color Diagnostics, LLC DBA Color Health
Classification: Likely benign for Malignant hyperthermia, susceptibility to, 5. Last evaluated: 2023-01-17. Review status: criteria provided, single submitter. Criteria: ACMG Guidelines, 2015. Collection method: clinical testing. Allele origin: germline.

NM_000069.3(CACNA1S):c.4639C>T (p.Arg1547Trp)

Gene: CACNA1S (calcium voltage-gated channel subunit alpha1 S; minus strand). Cytogenetic location: 1q32.1.
Variant type: single nucleotide variant.
Coding change: c.4639C>T on transcript NM_000069.3 (MANE Select); coding-DNA position 4639, C replaced by T.
Protein change: p.Arg1547Trp; replaces arginine 1547 with tryptophan.
Molecular consequence: missense variant.
Genome position (GRCh38, 1-based): chr1:201,047,144, G>A on the plus strand (C>T on the coding strand, the complement: CACNA1S is on the minus strand). VCF-style: chr1-201047144-G-A. GRCh37 (hg19) VCF-style: chr1-201016272-G-A.
Other names: short protein forms R1547W.
Identifiers: ClinVar variation 641324 (VCV000641324.27), dbSNP rs757433005, ClinGen allele CA083476.